The following is an entry in ClinVar:

ClinVar aggregate classification (germline): Benign. Review status: criteria provided, multiple submitters, no conflicts (2 of 4 stars). 2 submissions from 2 submitters: Benign (2). Last evaluated 2018-01-12.

Conditions:
Erythrocyte AMP deaminase deficiency. Identifiers: Orphanet 45, MedGen C2752073, OMIM 612874, MONDO:0020734.

Allele frequency attached by ClinVar (database versions not stated): 1000 Genomes Project 30x 0.97330; 1000 Genomes Project 0.97484; TOPMed 0.97233; gnomAD exomes 0.99883; gnomAD 0.97808.
gnomAD v4.1: 149,377 of 152,960 alleles (98%); highest among the groups gnomAD compares: East Asian, 100%; 73,046 homozygotes.

Submissions (2):

Illumina Laboratory Services, Illumina
Classification: Benign for Erythrocyte AMP deaminase deficiency. Last evaluated: 2018-01-12. Review status: criteria provided, single submitter. Criteria: ICSL Variant Classification Criteria 13 December 2019. Collection method: clinical testing. Allele origin: germline.
Comment: This variant was observed in the ICSL laboratory as part of a predisposition screen in an ostensibly healthy population. It had not been previously curated by ICSL or reported in the Human Gene Mutation Database (HGMD: prior to June 1st, 2018), and was therefore a candidate for classification through an automated scoring system. Utilizing variant allele frequency, disease prevalence and penetrance estimates, and inheritance mode, an automated score was calculated to assess if this variant is too frequent to cause the disease. Based on the score and internal cut-off values, a variant classified as benign is not then subjected to further curation. The score for this variant resulted in a classification of benign for this disease.

Breakthrough Genomics
Classification: Benign. Review status: criteria provided, single submitter. Criteria: ACMG Guidelines, 2015. Collection method: not provided. Allele origin: germline. Inheritance: Autosomal recessive inheritance. Affected: yes.

NM_001025389.2(AMPD3):c.*694A>G

Gene: AMPD3 (adenosine monophosphate deaminase 3; plus strand). Cytogenetic location: 11p15.4.
Variant type: single nucleotide variant.
Coding change: c.*694A>G on transcript NM_001025389.2 (MANE Select); 694 bases downstream of the stop codon, A replaced by G.
Molecular consequence: 3 prime UTR variant.
Genome position (GRCh38, 1-based): chr11:10,506,578, A>G. VCF-style: chr11-10506578-A-G. GRCh37 (hg19) VCF-style: chr11-10528125-A-G.
Other names: c.*694A>G (NM_000480.3, NM_001025390.2, NM_001172430.1 and 1 more transcripts).
Identifiers: ClinVar variation 302181 (VCV000302181.6), dbSNP rs2169594, ClinGen allele CA10633263.